The following is an entry in ClinVar:

ClinVar aggregate classification (germline): Uncertain significance (1 of 4 stars; one submission).

Submission:

Women's Health and Genetics/Laboratory Corporation of America, LabCorp
Classification: Uncertain significance. Last evaluated: 2026-04-03. Review status: criteria provided, single submitter. Criteria: LabCorp Variant Classification Summary - May 2015. Collection method: clinical testing. Allele origin: germline.
Comment: Variant summary: RAD50 c.2732A>T (p.Gln911Leu) results in a non-conservative amino acid change in the encoded protein sequence. Algorithms developed to predict the effect of missense changes on protein structure and function are either unavailable or do not agree on the potential impact of this missense change. The variant was absent in 224328 control chromosomes. The available data on variant occurrences in the general population are insufficient to allow any conclusion about variant significance. To our knowledge, no occurrence of c.2732A>T in individuals affected with RAD50-related conditions and no experimental evidence demonstrating its impact on protein function have been reported. No submitters have cited clinical-significance assessments for this variant to ClinVar. Based on the evidence outlined above, the variant was classified as uncertain significance.

NM_005732.4(RAD50):c.2732A>T (p.Gln911Leu)

Gene: RAD50 (RAD50 double strand break repair protein; plus strand). Cytogenetic location: 5q31.1.
Variant type: single nucleotide variant.
Coding change: c.2732A>T on transcript NM_005732.4 (MANE Select); coding-DNA position 2732, A replaced by T.
Protein change: p.Gln911Leu; replaces glutamine 911 with leucine.
Molecular consequence: missense variant.
Genome position (GRCh38, 1-based): chr5:132,608,628, A>T. VCF-style: chr5-132608628-A-T. GRCh37 (hg19) VCF-style: chr5-131944320-A-T.
Other names: short protein forms Q911L.
Identifiers: ClinVar variation 4848910 (VCV004848910.1).